The following is an entry in ClinVar:

ClinVar aggregate classification (germline): Conflicting classifications of pathogenicity. Review status: criteria provided, conflicting classifications (1 of 4 stars). 3 submissions from 3 submitters: Uncertain significance (1); Likely benign (1). 1 of the submissions does not count toward it. Last evaluated 2025-06-12.

Conditions:
Alstrom syndrome (ALMS). Identifiers: Orphanet 64, MedGen C0268425, MONDO:0008763, OMIM 203800.
Cardiovascular phenotype. Identifiers: MedGen CN230736.

gnomAD v4.1: 1 of 1,613,102 alleles (0.000062%); highest among the groups gnomAD compares: Non-Finnish European, 0.000085%; no homozygotes.

Submissions (3):

Ambry Genetics
Classification: Likely benign for Cardiovascular phenotype. Last evaluated: 2025-06-12. Review status: criteria provided, single submitter. Criteria: Ambry Variant Classification Scheme 2023. Collection method: clinical testing. Allele origin: germline.

Labcorp Genetics (formerly Invitae), Labcorp
Classification: Uncertain significance for Alstrom syndrome. Last evaluated: 2020-12-16. Review status: criteria provided, single submitter. Criteria: Invitae Variant Classification Sherloc (09022015). Collection method: clinical testing. Allele origin: germline.
Comment: This sequence change replaces asparagine with aspartic acid at codon 2780 of the ALMS1 protein (p.Asn2780Asp). The asparagine residue is weakly conserved and there is a small physicochemical difference between asparagine and aspartic acid. This variant is not present in population databases (ExAC no frequency). This variant has not been reported in the literature in individuals with ALMS1-related conditions. Experimental studies and prediction algorithms are not available or were not evaluated, and the functional significance of this variant is currently unknown. In summary, the available evidence is currently insufficient to determine the role of this variant in disease. Therefore, it has been classified as a Variant of Uncertain Significance.

Natera, Inc.
Classification: Uncertain significance for Alstrom syndrome. Last evaluated: 2020-08-14. Review status: no assertion criteria provided. Collection method: clinical testing. Allele origin: germline. Not counted in ClinVar's aggregate classification.

NM_001378454.1(ALMS1):c.8335A>G (p.Asn2779Asp)

Gene: ALMS1 (ALMS1 centrosome and basal body associated protein; plus strand). Cytogenetic location: 2p13.1.
Variant type: single nucleotide variant.
Coding change: c.8335A>G on transcript NM_001378454.1 (MANE Select); coding-DNA position 8335, A replaced by G.
Protein change: p.Asn2779Asp; replaces asparagine 2779 with aspartic acid.
Molecular consequence: missense variant.
Genome position (GRCh38, 1-based): chr2:73,490,294, A>G. VCF-style: chr2-73490294-A-G. GRCh37 (hg19) VCF-style: chr2-73717421-A-G.
Other names: c.8338A>G, p.Asn2780Asp (NM_015120.4); short protein forms N2779D, N2780D.
Identifiers: ClinVar variation 990699 (VCV000990699.7), dbSNP rs1672950651, ClinGen allele CA347268304.